The following is an entry in ClinVar:

ClinVar aggregate classification (germline): Likely benign. Review status: criteria provided, multiple submitters, no conflicts (2 of 4 stars). 3 submissions from 3 submitters: Likely benign (3). Last evaluated 2025-10-07.

Conditions:
Hereditary breast ovarian cancer syndrome. Also called: Hereditary breast and ovarian cancer syndrome; Breast and ovarian cancer; Hereditary breast and/or ovarian cancer syndrome; Hereditary breast and ovarian cancer; BRCA1- and BRCA2-Associated Hereditary Breast and Ovarian Cancer; Hereditary breast and ovarian cancer syndrome (HBOC). Identifiers: Orphanet 145, MedGen C0677776, MeSH D061325, MONDO:0003582. Disease mechanism: loss of function.
Hereditary cancer-predisposing syndrome. Also called: Neoplastic Syndromes, Hereditary; Tumor predisposition; Hereditary neoplastic syndrome; Hereditary Cancer Syndrome. Identifiers: Orphanet 140162, MedGen C0027672, MeSH D009386, MONDO:0015356.
Breast-ovarian cancer, familial, susceptibility to, 2 (BROVCA2). Also called: BRCA2 Hereditary Breast and Ovarian Cancer. Identifiers: Orphanet 145, MedGen C2675520, MONDO:0012933, OMIM 612555. Disease mechanism: loss of function.

Submissions (3):

Labcorp Genetics (formerly Invitae), Labcorp
Classification: Likely benign for Hereditary breast ovarian cancer syndrome. Last evaluated: 2025-10-07. Review status: criteria provided, single submitter. Criteria: Invitae Variant Classification Sherloc (09022015). Collection method: clinical testing. Allele origin: germline.

All of Us Research Program, National Institutes of Health
Classification: Likely benign for Breast-ovarian cancer, familial, susceptibility to, 2. Last evaluated: 2023-12-13. Review status: criteria provided, single submitter. Criteria: ACMG Guidelines, 2015. Collection method: clinical testing. Allele origin: germline. Inheritance: Autosomal dominant inheritance. Observed: 1 variant allele, 1 heterozygote.
Comment: This study involves interpretation of variants in research participants for the purpose of population health screening. Participant phenotype was not available at the time of variant classification. Additional details can be found in publication PMID: 35346344, PMCID: PMC8962531

Ambry Genetics
Classification: Likely benign for Hereditary cancer-predisposing syndrome. Last evaluated: 2021-06-13. Review status: criteria provided, single submitter. Criteria: Ambry Variant Classification Scheme 2023. Collection method: clinical testing. Allele origin: germline.

NM_000059.4(BRCA2):c.6825G>A (p.Glu2275=)

Gene: BRCA2 (BRCA2 DNA repair associated; plus strand). Cytogenetic location: 13q13.1.
Variant type: single nucleotide variant.
Coding change: c.6825G>A on transcript NM_000059.4 (MANE Select); coding-DNA position 6825, G replaced by A.
Protein change: p.Glu2275=; no amino-acid change (glutamic acid 2275 retained).
Molecular consequence: synonymous variant. On other transcripts: non-coding transcript variant (1), intron variant (2).
Genome position (GRCh38, 1-based): chr13:32,341,180, G>A. VCF-style: chr13-32341180-G-A. GRCh37 (hg19) VCF-style: chr13-32915317-G-A.
Other names: c.6825G>A, p.Glu2275= (NM_001406719.1, NM_001406720.1); c.1910-3378G>A (NM_001406721.1); c.425-3378G>A (NM_001406722.1).
Identifiers: ClinVar variation 1755659 (VCV001755659.4), dbSNP rs2137530974, ClinGen allele CA483275391.
Genomic context (GRCh38, chr13:32,341,180, plus strand): 5'-ATGTCCCGAAAATGAGGAAATGGTTTTGTCAAATTCAAGAATTGGAAAAAGAAGAGGAGA[G>A]CCCCTTATCTTAGTGGGTAAGTGTTCATTTTTACCTTTCGTGTTGCCAATCACTATTTTT-3'
Protein context (NP_000050.3, residues 2265-2285): SNSRIGKRRG[Glu2275=]PLILVGEPSI